The following is an entry in ClinVar:

NM_145893.3(RBFOX1):c.69C>A (p.Tyr23Ter)

Gene: RBFOX1 (RNA binding fox-1 homolog 1; plus strand). Cytogenetic location: 16p13.3.
Variant type: single nucleotide variant.
Coding change: c.69C>A on transcript NM_145893.3 (MANE Plus Clinical); coding-DNA position 69, C replaced by A.
Protein change: p.Tyr23Ter; replaces tyrosine 23 with a stop codon.
Molecular consequence: nonsense. On other transcripts: intron variant (5).
Genome position (GRCh38, 1-based): chr16:7,333,070, C>A. VCF-style: chr16-7333070-C-A. GRCh37 (hg19) VCF-style: chr16-7383071-C-A.
Other names: c.69C>A, p.Tyr23Ter (NM_145891.3, NM_145892.3); c.28-185077C>A (NM_001364800.2, NM_018723.4, NM_001142333.2 and 1 more transcripts); c.157-185077C>A (NM_001308117.1); short protein forms Y23*.
Identifiers: ClinVar variation 1348433 (VCV001348433.6), dbSNP rs1378405539, ClinGen allele CA394795280.
Genomic context (GRCh38, chr16:7,333,070, plus strand): 5'-GTCTCAAGGAGTTCTCCTGCATCCTTATGGCGTGCCTATGATTGTACCGGCAGCTCCTTA[C>A]CTTCCTGGACTGATTCAGGTAATTCAAGGCCTCTGCCAGCCAGCAACTTAACTCCAGAGT-3'

ClinVar aggregate classification (germline): Uncertain significance (1 of 4 stars; one submission).

Conditions:
Idiopathic generalized epilepsy. Also called: EIG; Generalised epilepsy. Identifiers: MedGen C0270850, MONDO:0005579, OMIM 600669.

gnomAD v4.1: 4 of 1,613,880 alleles (0.00025%); highest among the groups gnomAD compares: Non-Finnish European, 0.00025%; no homozygotes.

Submission:

Labcorp Genetics (formerly Invitae), Labcorp
Classification: Uncertain significance for Idiopathic generalized epilepsy. Last evaluated: 2021-04-24. Review status: criteria provided, single submitter. Criteria: Invitae Variant Classification Sherloc (09022015). Collection method: clinical testing. Allele origin: germline.
Comment: In summary, the available evidence is currently insufficient to determine the role of this variant in disease. Therefore, it has been classified as a Variant of Uncertain Significance. This variant has not been reported in the literature in individuals with RBFOX1-related conditions. This variant is not present in population databases (ExAC no frequency). This sequence change creates a premature translational stop signal (p.Tyr23*) in the RBFOX1 gene. It is expected to result in an absent or disrupted protein product. However, the current clinical and genetic evidence is not sufficient to establish whether loss-of-function variants in RBFOX1 cause disease.